The following is an entry in ClinVar:

ClinVar aggregate classification (germline): Uncertain significance (1 of 4 stars; one submission).

Submission:

Labcorp Genetics (formerly Invitae), Labcorp
Classification: Uncertain significance. Last evaluated: 2021-01-26. Review status: criteria provided, single submitter. Criteria: Invitae Variant Classification Sherloc (09022015). Collection method: clinical testing. Allele origin: germline.
Comment: In summary, the available evidence is currently insufficient to determine the role of this variant in disease. Therefore, it has been classified as a Variant of Uncertain Significance. Algorithms developed to predict the effect of sequence changes on RNA splicing suggest that this variant may create or strengthen a splice site, but this prediction has not been confirmed by published transcriptional studies. This variant has not been reported in the literature in individuals with ERBB2-related conditions. This variant is not present in population databases (ExAC no frequency). This sequence change affects codon 479 of the ERBB2 mRNA. It is a 'silent' change, meaning that it does not change the encoded amino acid sequence of the ERBB2 protein.

NM_004448.4(ERBB2):c.1437G>A (p.Thr479=)

Gene: ERBB2 (erb-b2 receptor tyrosine kinase 2; plus strand). Cytogenetic location: 17q12.
Variant type: single nucleotide variant.
Coding change: c.1437G>A on transcript NM_004448.4 (MANE Select); coding-DNA position 1437, G replaced by A.
Protein change: p.Thr479=; no amino-acid change (threonine 479 retained).
Molecular consequence: synonymous variant. On other transcripts: non-coding transcript variant (1), intron variant (1).
Genome position (GRCh38, 1-based): chr17:39,715,863, G>A. VCF-style: chr17-39715863-G-A. GRCh37 (hg19) VCF-style: chr17-37872116-G-A.
Other names: c.1347G>A, p.Thr449= (NM_001005862.3, NM_001289938.2, NM_001382782.1 and 1 more transcripts); c.1392G>A, p.Thr464= (NM_001289936.2); c.1437G>A, p.Thr479= (NM_001289937.2, NM_001382785.1, NM_001382788.1 and 12 more transcripts); c.1554G>A, p.Thr518= (NM_001382784.1, NM_001382786.1); c.1512G>A, p.Thr504= (NM_001382787.1); c.1458G>A, p.Thr486= (NM_001382789.1); c.1428G>A, p.Thr476= (NM_001382791.1); c.1257G>A, p.Thr419= (NM_001382799.1); and 3 more.
Identifiers: ClinVar variation 1440956 (VCV001440956.8), dbSNP rs2145656893, ClinGen allele CA499670059.
Genomic context (GRCh38, chr17:39,715,863, plus strand): 5'-GGAACTGGGCAGTGGACTGGCCCTCATCCACCATAACACCCACCTCTGCTTCGTGCACAC[G>A]GTGCCCTGGGACCAGCTCTTTCGGAACCCGCACCAAGCTCTGCTCCACACTGCCAACCGG-3'
Protein context (NP_004439.2, residues 469-489): HHNTHLCFVH[Thr479=]VPWDQLFRNP